The following is an entry in ClinVar:

ClinVar aggregate classification (germline): Likely pathogenic. Review status: criteria provided, single submitter (1 of 4 stars). 2 submissions from 2 submitters: Likely pathogenic (1). 1 of the submissions does not count toward it. Last evaluated 2025-06-12.

Conditions:
Nephrotic syndrome. Identifiers: MedGen C0027726, MONDO:0005377, HP:0000100.

Allele frequency attached by ClinVar (database versions not stated): gnomAD exomes 0.00002 and 0.00001; gnomAD 0.00013 and 0.00012; ExAC 0.00003; 1000 Genomes Project 30x 0.00016; 1000 Genomes Project 0.00020; TOPMed 0.00030.
gnomAD v4.1: 37 of 1,605,364 alleles (0.0023%); highest among the groups gnomAD compares: Admixed American, 0.043%; no homozygotes.

Submissions (2):

Labcorp Genetics (formerly Invitae), Labcorp
Classification: Likely pathogenic. Last evaluated: 2025-06-12. Review status: criteria provided, single submitter. Criteria: Invitae Variant Classification Sherloc (09022015). Collection method: clinical testing. Allele origin: germline.
Comment: This sequence change replaces tyrosine, which is neutral and polar, with cysteine, which is neutral and slightly polar, at codon 192 of the NUP93 protein (p.Tyr192Cys). This variant is present in population databases (rs201924382, gnomAD 0.009%). This missense change has been observed in individual(s) with clinical features of NUP93-related conditions (PMID: 31315584; internal data). In at least one individual the data is consistent with being in trans (on the opposite chromosome) from a pathogenic variant. ClinVar contains an entry for this variant (Variation ID: 1344649). Invitae Evidence Modeling of protein sequence and biophysical properties (such as structural, functional, and spatial information, amino acid conservation, physicochemical variation, residue mobility, and thermodynamic stability) indicates that this missense variant is not expected to disrupt NUP93 protein function with a negative predictive value of 80%. In summary, the currently available evidence indicates that the variant is pathogenic, but additional data are needed to prove that conclusively. Therefore, this variant has been classified as Likely Pathogenic.

Yale Center for Mendelian Genomics, Yale University
Classification: Likely pathogenic for Nephrotic syndrome. Last evaluated: 2019-01-17. Review status: no assertion criteria provided. Collection method: literature only. Allele origin: germline. Affected: yes. Observed: 1 homozygote. Study: Yale Center for Mendelian Genomics. Not counted in ClinVar's aggregate classification.

Literature cited by the submitters: PubMed 31315584 (cited by Labcorp Genetics (formerly Invitae), Labcorp); PubMed 30655312 (cited by Yale Center for Mendelian Genomics, Yale University).

NM_014669.5(NUP93):c.575A>G (p.Tyr192Cys)

Gene: NUP93 (nucleoporin 93; plus strand). Cytogenetic location: 16q13.
Variant type: single nucleotide variant.
Coding change: c.575A>G on transcript NM_014669.5 (MANE Select); coding-DNA position 575, A replaced by G.
Protein change: p.Tyr192Cys; replaces tyrosine 192 with cysteine.
Molecular consequence: missense variant.
Genome position (GRCh38, 1-based): chr16:56,821,514, A>G. VCF-style: chr16-56821514-A-G. GRCh37 (hg19) VCF-style: chr16-56855426-A-G.
Other names: c.206A>G, p.Tyr69Cys (NM_001242795.2, NM_001242796.2); short protein forms Y192C, Y69C.
Identifiers: ClinVar variation 1344649 (VCV001344649.3), dbSNP rs201924382, ClinGen allele CA8068142.